The following is an entry in ClinVar:

ClinVar aggregate classification (germline): Uncertain significance (1 of 4 stars; one submission).

Conditions:
Hypogonadotropic hypogonadism 1 with or without anosmia (HH1). Also called: Kallmann syndrome, type 1, X-linked; DYSPLASIA OLFACTOGENITALIS OF DE MORSIER; HYPOGONADOTROPIC HYPOGONADISM 1 WITH ANOSMIA; KAL1-Related GnRH Deficiency (Kallmann Syndrome 1; Kallmann Syndrome, X-Linked); Hypogonadotropic hypogonadism 1 with or without anosmia (Kallmann syndrome 1); HYPOGONADOTROPIC HYPOGONADISM AND ANOSMIA. Identifiers: Orphanet 478, MedGen C1563719, MONDO:0010635, OMIM 308700. Disease mechanism: loss of function.

Submission:

Labcorp Genetics (formerly Invitae), Labcorp
Classification: Uncertain significance for Hypogonadotropic hypogonadism 1 with or without anosmia. Last evaluated: 2026-01-28. Review status: criteria provided, single submitter. Criteria: Invitae Variant Classification Sherloc (09022015). Collection method: clinical testing. Allele origin: germline.
Comment: This sequence change replaces leucine, which is neutral and non-polar, with methionine, which is neutral and non-polar, at codon 385 of the ANOS1 protein (p.Leu385Met). This variant is not present in population databases (gnomAD no frequency). This variant has not been reported in the literature in individuals affected with ANOS1-related conditions. Invitae Evidence Modeling of protein sequence and biophysical properties (such as structural, functional, and spatial information, amino acid conservation, physicochemical variation, residue mobility, and thermodynamic stability) indicates that this missense variant is expected to disrupt ANOS1 protein function with a positive predictive value of 80%. In summary, the available evidence is currently insufficient to determine the role of this variant in disease. Therefore, it has been classified as a Variant of Uncertain Significance.

NM_000216.4(ANOS1):c.1153C>A (p.Leu385Met)

Gene: ANOS1 (anosmin 1; minus strand). Cytogenetic location: Xp22.31.
Variant type: single nucleotide variant.
Coding change: c.1153C>A on transcript NM_000216.4 (MANE Select); coding-DNA position 1153, C replaced by A.
Protein change: p.Leu385Met; replaces leucine 385 with methionine.
Molecular consequence: missense variant.
Genome position (GRCh38, 1-based): chrX:8,568,286, G>T on the plus strand (C>A on the coding strand, the complement: ANOS1 is on the minus strand). VCF-style: chrX-8568286-G-T. GRCh37 (hg19) VCF-style: chrX-8536327-G-T.
Other names: c.1153C>A, p.Leu385Met (NM_001440775.1); short protein forms L385M.
Identifiers: ClinVar variation 4740826 (VCV004740826.1).